The following is an entry in ClinVar:

ClinVar aggregate classification (germline): Uncertain significance (1 of 4 stars; one submission).

gnomAD v4.1: 1 of 1,613,642 alleles (0.000062%); highest among the groups gnomAD compares: Non-Finnish European, 0.000085%; no homozygotes.

Submission:

Labcorp Genetics (formerly Invitae), Labcorp
Classification: Uncertain significance. Last evaluated: 2021-03-20. Review status: criteria provided, single submitter. Criteria: Invitae Variant Classification Sherloc (09022015). Collection method: clinical testing. Allele origin: germline.
Comment: In summary, the available evidence is currently insufficient to determine the role of this variant in disease. Therefore, it has been classified as a Variant of Uncertain Significance. Algorithms developed to predict the effect of missense changes on protein structure and function output the following: SIFT: "Deleterious"; PolyPhen-2: "Benign"; Align-GVGD: "Class C0". The leucine amino acid residue is found in multiple mammalian species, suggesting that this missense change does not adversely affect protein function. These predictions have not been confirmed by published functional studies and their clinical significance is uncertain. This variant has not been reported in the literature in individuals with ADGRV1-related conditions. This variant is present in population databases (rs727505056, ExAC 0.002%). This sequence change replaces valine with leucine at codon 263 of the ADGRV1 protein (p.Val263Leu). The valine residue is moderately conserved and there is a small physicochemical difference between valine and leucine.

NM_032119.4(ADGRV1):c.787G>T (p.Val263Leu)

Gene: ADGRV1 (adhesion G protein-coupled receptor V1; plus strand). Cytogenetic location: 5q14.3.
Variant type: single nucleotide variant.
Coding change: c.787G>T on transcript NM_032119.4 (MANE Select); coding-DNA position 787, G replaced by T.
Protein change: p.Val263Leu; replaces valine 263 with leucine.
Molecular consequence: missense variant. On other transcripts: non-coding transcript variant (1).
Genome position (GRCh38, 1-based): chr5:90,627,325, G>T. VCF-style: chr5-90627325-G-T. GRCh37 (hg19) VCF-style: chr5-89923142-G-T.
Other names: short protein forms V263L.
Identifiers: ClinVar variation 1496948 (VCV001496948.8), dbSNP rs727505056, ClinGen allele CA3338566.